The following is an entry in ClinVar:

ClinVar aggregate classification (germline): Uncertain significance (1 of 4 stars; one submission).

Submission:

Ambry Genetics
Classification: Uncertain significance. Last evaluated: 2025-11-17. Review status: criteria provided, single submitter. Criteria: Ambry Variant Classification Scheme 2023. Collection method: clinical testing. Allele origin: germline.
Comment: The p.R403L variant (also known as c.1208G>T), located in coding exon 6 of the GALNT12 gene, results from a G to T substitution at nucleotide position 1208. The arginine at codon 403 is replaced by leucine, an amino acid with dissimilar properties. This amino acid position is conserved. In addition, this alteration is predicted to be deleterious by in silico analysis. Based on the available evidence, the clinical significance of this variant remains unclear.

NM_024642.5(GALNT12):c.1208G>T (p.Arg403Leu)

Gene: GALNT12 (polypeptide N-acetylgalactosaminyltransferase 12; plus strand). Cytogenetic location: 9q22.33.
Variant type: single nucleotide variant.
Coding change: c.1208G>T on transcript NM_024642.5 (MANE Select); coding-DNA position 1208, G replaced by T.
Protein change: p.Arg403Leu; replaces arginine 403 with leucine.
Molecular consequence: missense variant.
Genome position (GRCh38, 1-based): chr9:98,837,144, G>T. VCF-style: chr9-98837144-G-T. GRCh37 (hg19) VCF-style: chr9-101599426-G-T.
Other names: short protein forms R403L.
Identifiers: ClinVar variation 4670607 (VCV004670607.1).